The following is an entry in ClinVar:

NM_001048174.2(MUTYH):c.1309C>A (p.Pro437Thr)

Gene: MUTYH (mutY DNA glycosylase; minus strand). Cytogenetic location: 1p34.1.
Variant type: single nucleotide variant.
Coding change: c.1309C>A on transcript NM_001048174.2 (MANE Select); coding-DNA position 1309, C replaced by A.
Protein change: p.Pro437Thr; replaces proline 437 with threonine.
Molecular consequence: missense variant. On other transcripts: non-coding transcript variant (7).
Genome position (GRCh38, 1-based): chr1:45,331,265, G>T on the plus strand (C>A on the coding strand, the complement: MUTYH is on the minus strand). VCF-style: chr1-45331265-G-T. GRCh37 (hg19) VCF-style: chr1-45796937-G-T.
Other names: c.1309C>A, p.Pro437Thr (NM_001407070.1, NM_001407072.1, NM_001407073.1 and 6 more transcripts); c.1312C>A, p.Pro438Thr (NM_001407071.1, NM_001407078.1, NM_001048172.2 and 1 more transcripts); c.1225C>A, p.Pro409Thr (NM_001407075.1); c.1342C>A, p.Pro448Thr (NM_001407077.1, NM_001293191.2, NM_001407069.1); c.1270C>A, p.Pro424Thr (NM_001407079.1); c.1267C>A, p.Pro423Thr (NM_001407080.1); c.1393C>A, p.Pro465Thr (NM_001128425.2); c.1354C>A, p.Pro452Thr (NM_001293190.2); and 5 more; short protein forms P322T, P345T, P438T, P448T, P462T, P465T, P437T, P451T.
Identifiers: ClinVar variation 4113211 (VCV004113211.1).

ClinVar aggregate classification (germline): Uncertain significance (1 of 4 stars; one submission).

Conditions:
Hereditary cancer-predisposing syndrome. Also called: Tumor predisposition; Neoplastic Syndromes, Hereditary; Hereditary neoplastic syndrome; Hereditary Cancer Syndrome. Identifiers: Orphanet 140162, MedGen C0027672, MeSH D009386, MONDO:0015356.

Submission:

Ambry Genetics
Classification: Uncertain significance for Hereditary cancer-predisposing syndrome. Last evaluated: 2025-08-27. Review status: criteria provided, single submitter. Criteria: Ambry Variant Classification Scheme 2023. Collection method: clinical testing. Allele origin: germline.
Comment: The p.P465T variant (also known as c.1393C>A), located in coding exon 14 of the MUTYH gene, results from a C to A substitution at nucleotide position 1393. The proline at codon 465 is replaced by threonine, an amino acid with highly similar properties. This amino acid position is conserved. In addition, this alteration is predicted to be tolerated by in silico analysis. Based on the available evidence, the clinical significance of this variant remains unclear.